The following is an entry in ClinVar:

ClinVar aggregate classification (germline): Uncertain significance (1 of 4 stars; one submission).

Conditions:
3-methylglutaconic aciduria, type VIIB (MGCA7B). Also called: CLPB Deficiency; 3-methylglutaconic aciduria, type VII, with cataracts, neurologic involvement and neutropenia; 3-methylglutaconic aciduria with cataracts, neurologic involvement and neutropenia. Identifiers: Orphanet 445038, MedGen C5676893, MONDO:0014561, OMIM 616271.

Allele frequency attached by ClinVar (database versions not stated): gnomAD exomes below 0.00001.
gnomAD v4.1: 3 of 1,612,422 alleles (0.00019%); highest among the groups gnomAD compares: Non-Finnish European, 0.00025%; no homozygotes.

Submission:

Labcorp Genetics (formerly Invitae), Labcorp
Classification: Uncertain significance for 3-methylglutaconic aciduria with cataracts, neurologic involvement, and neutropenia. Last evaluated: 2018-12-26. Review status: criteria provided, single submitter. Criteria: Invitae Variant Classification Sherloc (09022015). Collection method: clinical testing. Allele origin: germline.
Comment: This sequence change replaces isoleucine with valine at codon 347 of the CLPB protein (p.Ile347Val). The isoleucine residue is moderately conserved and there is a small physicochemical difference between isoleucine and valine. This variant is not present in population databases (ExAC no frequency). This variant has not been reported in the literature in individuals with CLPB-related conditions. Algorithms developed to predict the effect of missense changes on protein structure and function (SIFT, PolyPhen-2, Align-GVGD) all suggest that this variant is likely to be tolerated, but these predictions have not been confirmed by published functional studies and their clinical significance is uncertain. In summary, the available evidence is currently insufficient to determine the role of this variant in disease. Therefore, it has been classified as a Variant of Uncertain Significance.

NM_001258392.3(CLPB):c.949A>G (p.Ile317Val)

Gene: CLPB (ClpB family mitochondrial disaggregase; minus strand). Cytogenetic location: 11q13.4.
Variant type: single nucleotide variant.
Coding change: c.949A>G on transcript NM_001258392.3 (MANE Select); coding-DNA position 949, A replaced by G.
Protein change: p.Ile317Val; replaces isoleucine 317 with valine.
Molecular consequence: missense variant.
Genome position (GRCh38, 1-based): chr11:72,317,145, T>C on the plus strand (A>G on the coding strand, the complement: CLPB is on the minus strand). VCF-style: chr11-72317145-T-C. GRCh37 (hg19) VCF-style: chr11-72028189-T-C.
Other names: c.862A>G, p.Ile288Val (NM_001258393.3); c.904A>G, p.Ile302Val (NM_001258394.3); c.1039A>G, p.Ile347Val (NM_030813.6); short protein forms I288V, I347V, I317V, I302V.
Identifiers: ClinVar variation 659478 (VCV000659478.1), dbSNP rs1590786067, ClinGen allele CA381738271.
Genomic context (GRCh38, chr11:72,317,145, plus strand): 5'-TCTGGTGTCCCACACACTCACCAGCACCCACTGTGGCGATGGCGCTCTCCTGGCCAATGA[T>C]GTGCTCCTTTAGTCGCTGCTCCAGGGGGAAGCGGCGCCGCTCCTCAGCCTCACGCTTCCG-3'
Protein context (NP_001245321.1, residues 307-327): FPLEQRLKEH[Ile317Val]IGQESAIATV